The following is an entry in ClinVar:

NM_000548.5(TSC2):c.4260A>G (p.Ser1420=)

Gene: TSC2 (TSC complex subunit 2; plus strand). Cytogenetic location: 16p13.3.
Variant type: single nucleotide variant.
Coding change: c.4260A>G on transcript NM_000548.5 (MANE Select); coding-DNA position 4260, A replaced by G.
Protein change: p.Ser1420=; no amino-acid change (serine 1420 retained).
Molecular consequence: synonymous variant.
Genome position (GRCh38, 1-based): chr16:2,084,482, A>G. VCF-style: chr16-2084482-A-G. GRCh37 (hg19) VCF-style: chr16-2134483-A-G.
Other names: c.4059A>G, p.Ser1353= (NM_001077183.3); c.4191A>G, p.Ser1397= (NM_001114382.3); c.3951A>G, p.Ser1317= (NM_001318827.2); c.3915A>G, p.Ser1305= (NM_001318829.2); c.3528A>G, p.Ser1176= (NM_001318831.2); c.4092A>G, p.Ser1364= (NM_001318832.2); c.4062A>G, p.Ser1354= (NM_001363528.2); c.4128A>G, p.Ser1376= (NM_001370404.1); and 1 more.
Identifiers: ClinVar variation 546764 (VCV000546764.60), dbSNP rs1285012780, ClinGen allele CA493043384.

ClinVar aggregate classification (germline): Conflicting classifications of pathogenicity. Review status: criteria provided, conflicting classifications (1 of 4 stars). 7 submissions from 7 submitters: Uncertain significance (1); Benign (1); Likely benign (5). Last evaluated 2025-11-25.

Conditions:
Hereditary cancer-predisposing syndrome. Also called: Hereditary Cancer Syndrome; Tumor predisposition; Neoplastic Syndromes, Hereditary; Hereditary neoplastic syndrome. Identifiers: Orphanet 140162, MedGen C0027672, MeSH D009386, MONDO:0015356.
Tuberous sclerosis syndrome (TSC). Also called: Tuberous Sclerosis Complex; Tuberous sclerosis. Identifiers: Orphanet 805, MedGen C0041341, MONDO:0001734.
Tuberous sclerosis 2 (TSC2). Identifiers: Orphanet 805, MedGen C1860707, MONDO:0013199, OMIM 613254.

Allele frequency attached by ClinVar (database versions not stated): gnomAD exomes 0.00001.
gnomAD v4.1: 19 of 1,609,448 alleles (0.0012%); highest among the groups gnomAD compares: Non-Finnish European, 0.0016%; no homozygotes.

Submissions (7):

Labcorp Genetics (formerly Invitae), Labcorp
Classification: Likely benign for Tuberous sclerosis 2. Last evaluated: 2025-11-25. Review status: criteria provided, single submitter. Criteria: Invitae Variant Classification Sherloc (09022015). Collection method: clinical testing. Allele origin: germline.

Myriad Genetics, Inc.
Classification: Benign for Tuberous sclerosis 2. Last evaluated: 2025-06-03. Review status: criteria provided, single submitter. Criteria: Myriad Autosomal Dominant, Autosomal Recessive and X-Linked Classification Criteria (2023). Collection method: clinical testing. Allele origin: unknown.
Comment: This variant is considered benign. This variant is a silent/synonymous amino acid change and it is not expected to impact splicing.

All of Us Research Program, National Institutes of Health
Classification: Likely benign for Tuberous sclerosis syndrome. Last evaluated: 2023-03-23. Review status: criteria provided, single submitter. Criteria: ACMG Guidelines, 2015. Collection method: clinical testing. Allele origin: germline. Inheritance: Autosomal dominant inheritance. Observed: 1 variant allele, 1 heterozygote.
Comment: This study involves interpretation of variants in research participants for the purpose of population health screening. Participant phenotype was not available at the time of variant classification. Additional details can be found in publication PMID: 35346344, PMCID: PMC8962531

Genome-Nilou Lab
Classification: Likely benign for Tuberous sclerosis 2. Last evaluated: 2021-11-07. Review status: criteria provided, single submitter. Criteria: ACMG Guidelines, 2015. Collection method: clinical testing. Allele origin: germline. Affected: no.

GeneDx
Classification: Likely benign. Last evaluated: 2018-05-25. Review status: criteria provided, single submitter. Criteria: GeneDx Variant Classification (06012015). Collection method: clinical testing. Allele origin: germline. Affected: yes.
Comment: This variant is considered likely benign or benign based on one or more of the following criteria: it is a conservative change, it occurs at a poorly conserved position in the protein, it is predicted to be benign by multiple in silico algorithms, and/or has population frequency not consistent with disease.

CeGaT Center for Human Genetics Tuebingen
Classification: Uncertain significance. Last evaluated: 2018-03-01. Review status: criteria provided, single submitter. Criteria: CeGaT Center For Human Genetics Tuebingen Variant Classification Criteria Version 2. Collection method: clinical testing. Allele origin: germline. Affected: yes. Observed: 1 variant allele.

Ambry Genetics
Classification: Likely benign for Hereditary cancer-predisposing syndrome. Last evaluated: 2017-03-31. Review status: criteria provided, single submitter. Criteria: Ambry Variant Classification Scheme 2023. Collection method: clinical testing. Allele origin: germline.